The following is an entry in ClinVar:

ClinVar aggregate classification (germline): Likely pathogenic. Review status: reviewed by expert panel (3 of 4 stars). 6 submissions from 6 submitters: Likely pathogenic (1). 5 of the submissions do not count toward it. Last evaluated 2017-04-03.

Conditions:
BRAF-related disorder. Also called: BRAF-related condition.
Cardio-facio-cutaneous syndrome. Also called: Cardiofaciocutaneous syndrome; CFC syndrome. Identifiers: Orphanet 1340, MedGen C1275081, MONDO:0015280. Disease mechanism: gain of function.
RASopathy. Also called: rasopathies; Noonan spectrum disorder. Identifiers: Orphanet 536391, MedGen C5555857, MONDO:0021060.

Submissions (6):

ClinGen RASopathy Variant Curation Expert Panel
Classification: Likely pathogenic for Noonan syndrome and Noonan-related syndrome. Last evaluated: 2017-04-03. Review status: reviewed by expert panel. Criteria: ClinGen RASopathy ACMG Specifications v1. Collection method: curation. Allele origin: germline. Inheritance: Autosomal dominant inheritance.
Comment: The c.1595G>A (p.Cys532Tyr) variant in BRAF has been reported in the literature as an unconfirmed de novo occurrence in a patient with clinical features of a RASopathy (PM6; Partners LMM, GeneDx, EGL internal data; GTR ID's: 21766, 26957, 500060; SCV000112809.7, SCV000057229.13, SCV000197143.4). This variant was absent from large population studies (PM2; ExAC). The variant is located in the BRAF gene, which has been defined by the ClinGen RASopathy Expert Panel as a gene with a low rate of benign missense variants and pathogenic missense variants are common (PP2; PMID: 29493581). Computational prediction tools and conservation analysis suggest that the p.Cys532Tyr variant may impact the protein (PP3). In summary, this variant meets criteria to be classified as pathogenic for RASopathies in an autosomal dominant manner. Rasopathy-specific ACMG/AMP criteria applied (PMID:29493581): PM6, PM2, PP2, PP3.

GeneDx
Classification: Likely pathogenic. Last evaluated: 2024-07-03. Review status: criteria provided, single submitter. Criteria: GeneDx Variant Classification Process June 2021. Collection method: clinical testing. Allele origin: germline. Affected: yes. Not counted in ClinVar's aggregate classification.
Comment: Reported in two individuals with neurodevelopmental disorders from large cohort studies, including one individual in which the variant occurred de novo, but detailed clinical information was not provided on these individuals (PMID: 31785789, 33004838); Reported in an abstract by Spencer et al. (2016) in an individual with features of cardio-facio-cutaneous syndrome, but familial segregation information was not provided Spencer et al. (2016) British Journal of Dermatology. 174:e24e31; Not observed at significant frequency in large population cohorts (gnomAD); Missense variants in this gene are a common cause of disease and they are underrepresented in the general population; In silico analysis supports that this missense variant has a deleterious effect on protein structure/function; This variant is associated with the following publications: (PMID: 27478437, 29493581, 33004838, 31785789, 33057194, 35982159)

Blueprint Genetics
Classification: Likely pathogenic for BRAF-related disorders. Last evaluated: 2022-12-22. Review status: criteria provided, single submitter. Criteria: ACMG Guidelines, 2015. Collection method: clinical testing. Allele origin: germline. Affected: yes. Observed: 1 variant allele. Not counted in ClinVar's aggregate classification.

Labcorp Genetics (formerly Invitae), Labcorp
Classification: Likely pathogenic for RASopathy. Last evaluated: 2022-05-13. Review status: criteria provided, single submitter. Criteria: Invitae Variant Classification Sherloc (09022015). Collection method: clinical testing. Allele origin: germline. Not counted in ClinVar's aggregate classification.
Comment: This sequence change replaces cysteine, which is neutral and slightly polar, with tyrosine, which is neutral and polar, at codon 532 of the BRAF protein (p.Cys532Tyr). In summary, the currently available evidence indicates that the variant is pathogenic, but additional data are needed to prove that conclusively. Therefore, this variant has been classified as Likely Pathogenic. Advanced modeling of protein sequence and biophysical properties (such as structural, functional, and spatial information, amino acid conservation, physicochemical variation, residue mobility, and thermodynamic stability) performed at Invitae indicates that this missense variant is expected to disrupt BRAF protein function. ClinVar contains an entry for this variant (Variation ID: 40380). This missense change has been observed in individual(s) with clinical features of BRAF-related conditions (PMID: 31785789; Invitae). It has also been observed to segregate with disease in related individuals. This variant is not present in population databases (gnomAD no frequency).

Eurofins Ntd Llc (ga)
Classification: Likely pathogenic. Last evaluated: 2017-08-29. Review status: criteria provided, single submitter. Criteria: EGL Classification Definitions 2015. Collection method: clinical testing. Allele origin: germline. Observed: 1 variant allele, 1 heterozygote. Not counted in ClinVar's aggregate classification.

Laboratory for Molecular Medicine, Mass General Brigham Personalized Medicine
Classification: Likely pathogenic for Cardio-facio-cutaneous syndrome. Last evaluated: 2017-07-28. Review status: criteria provided, single submitter. Criteria: LMM Criteria. Collection method: clinical testing. Allele origin: germline. Observed: 2 variant alleles. Not counted in ClinVar's aggregate classification.
Comment: proposed classification - variant undergoing re-assessment, contact laboratory

Literature cited by the submitters: PubMed 31785789 (cited by Labcorp Genetics (formerly Invitae), Labcorp).

NM_004333.6(BRAF):c.1595G>A (p.Cys532Tyr)

Gene: BRAF (B-Raf proto-oncogene, serine/threonine kinase; minus strand). Cytogenetic location: 7q34.
Variant type: single nucleotide variant.
Coding change: c.1595G>A on transcript NM_004333.6 (MANE Select); coding-DNA position 1595, G replaced by A.
Protein change: p.Cys532Tyr; replaces cysteine 532 with tyrosine.
Molecular consequence: missense variant.
Genome position (GRCh38, 1-based): chr7:140,777,011, C>T on the plus strand (G>A on the coding strand, the complement: BRAF is on the minus strand). VCF-style: chr7-140777011-C-T. GRCh37 (hg19) VCF-style: chr7-140476811-C-T.
Other names: NM_004333.4(BRAF):c.1595G>A; c.1595G>A, p.Cys532Tyr (NM_001354609.2, NM_001378468.1, NM_001378474.1); c.1715G>A, p.Cys572Tyr (NM_001374244.1, NM_001374258.1); c.1604G>A, p.Cys535Tyr (NM_001378467.1); c.1529G>A, p.Cys510Tyr (NM_001378469.1); c.1493G>A, p.Cys498Tyr (NM_001378470.1); c.1484G>A, p.Cys495Tyr (NM_001378471.1); c.1439G>A, p.Cys480Tyr (NM_001378472.1, NM_001378473.1); and 1 more; short protein forms C532Y, C444Y, C510Y, C480Y, C495Y, C498Y, C535Y, C572Y.
Identifiers: ClinVar variation 40380 (VCV000040380.58), dbSNP rs397507479, ClinGen allele CA175337.